The following is an entry in ClinVar:

ClinVar aggregate classification (germline): Uncertain significance (1 of 4 stars; one submission).

Allele frequency attached by ClinVar (database versions not stated): gnomAD 0.00001; TOPMed 0.00001; gnomAD exomes 0.00002; ExAC 0.00005; ESP Exome Variant Server 0.00008.

Submission:

GeneDx
Classification: Uncertain significance. Last evaluated: 2022-02-10. Review status: criteria provided, single submitter. Criteria: GeneDx Variant Classification Process June 2021. Collection method: clinical testing. Allele origin: germline. Affected: yes.
Comment: Not observed at significant frequency in large population cohorts (gnomAD); In silico analysis supports that this missense variant has a deleterious effect on protein structure/function; Has not been previously published as pathogenic or benign to our knowledge

NM_003745.2(SOCS1):c.577C>T (p.Arg193Cys)

Genes: SOCS1 (suppressor of cytokine signaling 1; minus strand), LOC130058478 (ATAC-STARR-seq lymphoblastoid silent region 7197; plus strand). Cytogenetic location: 16p13.13.
Variant type: single nucleotide variant.
Coding change: c.577C>T on transcript NM_003745.2 (MANE Select); coding-DNA position 577, C replaced by T.
Protein change: p.Arg193Cys; replaces arginine 193 with cysteine.
Molecular consequence: missense variant.
Genome position (GRCh38, 1-based): chr16:11,254,902, G>A on the plus strand (C>T on the coding strand, the complement: SOCS1 is on the minus strand). VCF-style: chr16-11254902-G-A. GRCh37 (hg19) VCF-style: chr16-11348759-G-A.
Other names: short protein forms R193C.
Identifiers: ClinVar variation 1702823 (VCV001702823.2), dbSNP rs140266462, ClinGen allele CA7902213.